The following is an entry in ClinVar:

NM_000057.4(BLM):c.1733A>C (p.Lys578Thr)

Gene: BLM (BLM RecQ like helicase; plus strand). Cytogenetic location: 15q26.1.
Variant type: single nucleotide variant.
Coding change: c.1733A>C on transcript NM_000057.4 (MANE Select); coding-DNA position 1733, A replaced by C.
Protein change: p.Lys578Thr; replaces lysine 578 with threonine.
Molecular consequence: missense variant.
Genome position (GRCh38, 1-based): chr15:90,761,106, A>C. VCF-style: chr15-90761106-A-C. GRCh37 (hg19) VCF-style: chr15-91304336-A-C.
Other names: c.1733A>C, p.Lys578Thr (NM_001287246.2, NM_001287247.2); c.608A>C, p.Lys203Thr (NM_001287248.2); short protein forms K203T, K578T.
Identifiers: ClinVar variation 1484357 (VCV001484357.8), dbSNP rs2151158873, ClinGen allele CA393843728.

ClinVar aggregate classification (germline): Uncertain significance (1 of 4 stars; one submission).

Conditions:
Bloom syndrome (BLM). Also called: Bloom-Torre-Machacek syndrome. Identifiers: Orphanet 125, MedGen C0005859, MONDO:0008876, OMIM 210900.

Submission:

Labcorp Genetics (formerly Invitae), Labcorp
Classification: Uncertain significance for Bloom syndrome. Last evaluated: 2021-04-04. Review status: criteria provided, single submitter. Criteria: Invitae Variant Classification Sherloc (09022015). Collection method: clinical testing. Allele origin: germline.
Comment: This variant is not present in population databases (ExAC no frequency). This sequence change replaces lysine with threonine at codon 578 of the BLM protein (p.Lys578Thr). The lysine residue is weakly conserved and there is a moderate physicochemical difference between lysine and threonine. In summary, the available evidence is currently insufficient to determine the role of this variant in disease. Therefore, it has been classified as a Variant of Uncertain Significance. Algorithms developed to predict the effect of missense changes on protein structure and function (SIFT, PolyPhen-2, Align-GVGD) all suggest that this variant is likely to be tolerated, but these predictions have not been confirmed by published functional studies and their clinical significance is uncertain. This variant has not been reported in the literature in individuals with BLM-related conditions.